The following is an entry in ClinVar:

ClinVar aggregate classification (germline): Uncertain significance (1 of 4 stars; one submission).

Conditions:
Early-infantile DEE. Also called: Early infantile epileptic encephalopathy with suppression bursts; Early infantile epileptic encephalopathy; Ohtahara syndrome. Identifiers: Orphanet 1934, MedGen C0393706, MONDO:0800491.

Submission:

Labcorp Genetics (formerly Invitae), Labcorp
Classification: Uncertain significance for Early-infantile DEE. Last evaluated: 2022-07-30. Review status: criteria provided, single submitter. Criteria: Invitae Variant Classification Sherloc (09022015). Collection method: clinical testing. Allele origin: germline.
Comment: This variant is not present in population databases (gnomAD no frequency). Advanced modeling of protein sequence and biophysical properties (such as structural, functional, and spatial information, amino acid conservation, physicochemical variation, residue mobility, and thermodynamic stability) performed at Invitae indicates that this missense variant is expected to disrupt KCNQ2 protein function. This variant has not been reported in the literature in individuals affected with KCNQ2-related conditions. This sequence change replaces lysine, which is basic and polar, with asparagine, which is neutral and polar, at codon 255 of the KCNQ2 protein (p.Lys255Asn). In summary, the available evidence is currently insufficient to determine the role of this variant in disease. Therefore, it has been classified as a Variant of Uncertain Significance.

NM_172107.4(KCNQ2):c.765G>T (p.Lys255Asn)

Gene: KCNQ2 (potassium voltage-gated channel subfamily Q member 2; minus strand). Cytogenetic location: 20q13.33.
Variant type: single nucleotide variant.
Coding change: c.765G>T on transcript NM_172107.4 (MANE Select); coding-DNA position 765, G replaced by T.
Protein change: p.Lys255Asn; replaces lysine 255 with asparagine.
Molecular consequence: missense variant.
Genome position (GRCh38, 1-based): chr20:63,442,457, C>A on the plus strand (G>T on the coding strand, the complement: KCNQ2 is on the minus strand). VCF-style: chr20-63442457-C-A. GRCh37 (hg19) VCF-style: chr20-62073810-C-A.
Other names: c.765G>T, p.Lys255Asn (NM_001382235.1, NM_004518.6, NM_172106.3 and 2 more transcripts); short protein forms K255N.
Identifiers: ClinVar variation 1714459 (VCV001714459.5), dbSNP rs2081189595, ClinGen allele CA409653495.